The following is an entry in ClinVar:

NM_004517.4(ILK):c.856+1G>A

Genes: ILK (integrin linked kinase; plus strand), TAF10 (TATA-box binding protein associated factor 10; minus strand). Cytogenetic location: 11p15.4.
Variant type: single nucleotide variant.
Coding change: c.856+1G>A on transcript NM_004517.4 (MANE Select); the canonical splice donor site of the intron after coding-DNA position 856, G replaced by A.
Molecular consequence: splice donor variant. On other transcripts: 3 prime UTR variant (1).
Genome position (GRCh38, 1-based): chr11:6,609,640, G>A. VCF-style: chr11-6609640-G-A. GRCh37 (hg19) VCF-style: chr11-6630871-G-A.
Other names: c.673+1G>A (NM_001278441.2); c.856+1G>A (NM_001014794.3, NM_001014795.3); c.454+1G>A (NM_001278442.2); c.*1282C>T (NM_006284.4).
Identifiers: ClinVar variation 1514564 (VCV001514564.9), dbSNP rs1589940179, ClinGen allele CA379462847.
Genomic context (GRCh38, chr11:6,609,640, plus strand): 5'-CTCTCATCACACACTGGATGCCGTATGGATCCCTCTACAATGTACTACATGAAGGCACCA[G>A]TGAGTAGGGATGTTGAATTTCCTTGGGGAGGAAATGGCAGAGAGGGAGCCTCTCTGAACT-3'

ClinVar aggregate classification (germline): Uncertain significance (1 of 4 stars; one submission).

Conditions:
Primary familial hypertrophic cardiomyopathy (HCM). Identifiers: Orphanet 99739, MedGen C0949658, MeSH D024741, MONDO:0024573. Inheritance: Various modes of inheritance.

Allele frequency attached by ClinVar (database versions not stated): gnomAD exomes below 0.00001.
gnomAD v4.1: 5 of 1,614,248 alleles (0.00031%); highest among the groups gnomAD compares: Non-Finnish European, 0.00042%; no homozygotes.

Submissions (2):

Labcorp Genetics (formerly Invitae), Labcorp
Classification: Uncertain significance for Primary familial hypertrophic cardiomyopathy. Last evaluated: 2021-01-03. Review status: criteria provided, single submitter. Criteria: Invitae Variant Classification Sherloc (09022015). Collection method: clinical testing. Allele origin: germline.
Comment: In summary, the available evidence is currently insufficient to determine the role of this variant in disease. Therefore, it has been classified as a Variant of Uncertain Significance. Algorithms developed to predict the effect of sequence changes on RNA splicing suggest that this variant may disrupt the consensus splice site, but this prediction has not been confirmed by published transcriptional studies. This variant has not been reported in the literature in individuals with ILK-related conditions. This variant is not present in population databases (ExAC no frequency). This sequence change affects a donor splice site in intron 9 of the ILK gene. It is expected to disrupt RNA splicing. Variants that disrupt the donor or acceptor splice site typically lead to a loss of protein function (PMID: 16199547), however the current clinical and genetic evidence is not sufficient to establish whether loss-of-function variants in ILK cause disease.

Dr. Peter K. Rogan Lab, Western University
No classification provided (evidence only). Condition: Familial prostate cancer. Review status: no classification provided. Collection method: in vitro. Allele origin: not applicable. Functional consequence: retained intron. Not counted in ClinVar's aggregate classification.

Literature cited by the submitters: PubMed 16199547 (cited by Labcorp Genetics (formerly Invitae), Labcorp).